The following is an entry in ClinVar:

NM_018062.4(FANCL):c.652A>G (p.Lys218Glu)

Gene: FANCL (FA complementation group L; minus strand). Cytogenetic location: 2p16.1.
Variant type: single nucleotide variant.
Coding change: c.652A>G on transcript NM_018062.4 (MANE Select); coding-DNA position 652, A replaced by G.
Protein change: p.Lys218Glu; replaces lysine 218 with glutamic acid.
Molecular consequence: missense variant. On other transcripts: non-coding transcript variant (2).
Genome position (GRCh38, 1-based): chr2:58,165,763, T>C on the plus strand (A>G on the coding strand, the complement: FANCL is on the minus strand). VCF-style: chr2-58165763-T-C. GRCh37 (hg19) VCF-style: chr2-58392898-T-C.
Other names: c.667A>G, p.Lys223Glu (NM_001114636.2); c.697A>G, p.Lys233Glu (NM_001374615.1); c.712A>G, p.Lys238Glu (NM_001410792.1); short protein forms K223E, K238E, K218E, K233E.
Identifiers: ClinVar variation 3713553 (VCV003713553.2).

ClinVar aggregate classification (germline): Uncertain significance (1 of 4 stars; one submission).

Conditions:
Fanconi anemia (FA). Also called: Fanconi's anemia. Identifiers: Orphanet 84, MedGen C0015625, MeSH D005199, MONDO:0019391.

gnomAD v4.1: 2 of 1,614,164 alleles (0.00012%); highest among the groups gnomAD compares: Non-Finnish European, 0.000085%; no homozygotes.

Submission:

Labcorp Genetics (formerly Invitae), Labcorp
Classification: Uncertain significance for Fanconi anemia. Last evaluated: 2024-07-15. Review status: criteria provided, single submitter. Criteria: Invitae Variant Classification Sherloc (09022015). Collection method: clinical testing. Allele origin: germline.
Comment: This sequence change replaces lysine, which is basic and polar, with glutamic acid, which is acidic and polar, at codon 218 of the FANCL protein (p.Lys218Glu). This variant is not present in population databases (gnomAD no frequency). This variant has not been reported in the literature in individuals affected with FANCL-related conditions. Advanced modeling of protein sequence and biophysical properties (such as structural, functional, and spatial information, amino acid conservation, physicochemical variation, residue mobility, and thermodynamic stability) performed at Invitae indicates that this missense variant is not expected to disrupt FANCL protein function with a negative predictive value of 80%. In summary, the available evidence is currently insufficient to determine the role of this variant in disease. Therefore, it has been classified as a Variant of Uncertain Significance.